The following is an entry in ClinVar:

NM_032608.7(MYO18B):c.2752G>A (p.Glu918Lys)

Gene: MYO18B (myosin XVIIIB; plus strand). Cytogenetic location: 22q12.1.
Variant type: single nucleotide variant.
Coding change: c.2752G>A on transcript NM_032608.7 (MANE Select); coding-DNA position 2752, G replaced by A.
Protein change: p.Glu918Lys; replaces glutamic acid 918 with lysine.
Molecular consequence: missense variant.
Genome position (GRCh38, 1-based): chr22:25,826,465, G>A. VCF-style: chr22-25826465-G-A. GRCh37 (hg19) VCF-style: chr22-26222432-G-A.
Other names: c.2752G>A, p.Glu918Lys (NM_001318245.2); c.2752G>A (NM_032608.5); short protein forms E918K.
Identifiers: ClinVar variation 1406331 (VCV001406331.5), dbSNP rs201350841, ClinGen allele CA10160301.

ClinVar aggregate classification (germline): Uncertain significance. Review status: criteria provided, multiple submitters, no conflicts (2 of 4 stars). 2 submissions from 2 submitters: Uncertain significance (2). Last evaluated 2024-10-24.

Conditions:
Inborn genetic diseases. Identifiers: MedGen C0950123, MeSH D030342.

Allele frequency attached by ClinVar (database versions not stated): TOPMed 0.00002; ExAC 0.00003; gnomAD exomes 0.00004 and 0.00005; ESP Exome Variant Server 0.00008.
gnomAD v4.1: 87 of 1,613,738 alleles (0.0054%); highest among the groups gnomAD compares: Non-Finnish European, 0.007%; no homozygotes.

Submissions (2):

Labcorp Genetics (formerly Invitae), Labcorp
Classification: Uncertain significance. Last evaluated: 2024-10-24. Review status: criteria provided, single submitter. Criteria: Invitae Variant Classification Sherloc (09022015). Collection method: clinical testing. Allele origin: germline.
Comment: This sequence change replaces glutamic acid with lysine at codon 918 of the MYO18B protein (p.Glu918Lys). The glutamic acid residue is moderately conserved and there is a small physicochemical difference between glutamic acid and lysine. This variant is present in population databases (rs201350841, gnomAD 0.006%). This variant has not been reported in the literature in individuals affected with MYO18B-related conditions. ClinVar contains an entry for this variant (Variation ID: 1406331). An algorithm developed to predict the effect of missense changes on protein structure and function (PolyPhen-2) suggests that this variant is likely to be disruptive. In summary, the available evidence is currently insufficient to determine the role of this variant in disease. Therefore, it has been classified as a Variant of Uncertain Significance.

Ambry Genetics
Classification: Uncertain significance for Inborn genetic diseases. Last evaluated: 2021-10-26. Review status: criteria provided, single submitter. Criteria: Ambry Variant Classification Scheme 2023. Collection method: clinical testing. Allele origin: germline.